The following is an entry in ClinVar:

NM_000368.5(TSC1):c.680T>C (p.Val227Ala)

Gene: TSC1 (TSC complex subunit 1; minus strand). Cytogenetic location: 9q34.13.
Variant type: single nucleotide variant.
Coding change: c.680T>C on transcript NM_000368.5 (MANE Select); coding-DNA position 680, T replaced by C.
Protein change: p.Val227Ala; replaces valine 227 with alanine.
Molecular consequence: missense variant. On other transcripts: 5 prime UTR variant (1), non-coding transcript variant (5), intron variant (4).
Genome position (GRCh38, 1-based): chr9:132,921,420, A>G on the plus strand (T>C on the coding strand, the complement: TSC1 is on the minus strand). VCF-style: chr9-132921420-A-G. GRCh37 (hg19) VCF-style: chr9-135796807-A-G.
Other names: c.680T>C, p.Val227Ala (NM_001406601.1, NM_001406602.1, NM_001406603.1 and 16 more transcripts); c.317T>C, p.Val106Ala (NM_001406620.1, NM_001406621.1, NM_001406622.1 and 10 more transcripts); c.-414T>C (NM_001406630.1); c.-215+399T>C (NM_001406627.1, NM_001406628.1, NM_001406626.1); c.-357+399T>C (NM_001406629.1); c.527T>C, p.Val176Ala (NM_001162427.2, NM_001406610.1, NM_001406611.1 and 2 more transcripts); short protein forms V106A, V227A, V176A.
Identifiers: ClinVar variation 3329412 (VCV003329412.4).

ClinVar aggregate classification (germline): Conflicting classifications of pathogenicity. Review status: criteria provided, conflicting classifications (1 of 4 stars). 2 submissions from 2 submitters: Uncertain significance (1); Benign (1). Last evaluated 2026-08-12.

Conditions:
Tuberous sclerosis 1 (TSC1). Identifiers: Orphanet 805, MedGen C1854465, MONDO:0008612, OMIM 191100.
Hereditary cancer-predisposing syndrome. Also called: Tumor predisposition; Hereditary Cancer Syndrome; Hereditary neoplastic syndrome; Neoplastic Syndromes, Hereditary. Identifiers: Orphanet 140162, MedGen C0027672, MeSH D009386, MONDO:0015356.

gnomAD v4.1: 1 of 1,614,046 alleles (0.000062%); highest among the groups gnomAD compares: African/African-American, 0.0013%; no homozygotes.

Submissions (2):

Ambry Genetics
Classification: Uncertain significance for Hereditary cancer-predisposing syndrome. Last evaluated: 2026-08-12. Review status: criteria provided, single submitter. Criteria: Ambry Variant Classification Scheme 2023. Collection method: clinical testing. Allele origin: germline.
Comment: The p.V227A variant (also known as c.680T>C), located in coding exon 6 of the TSC1 gene, results from a T to C substitution at nucleotide position 680. The valine at codon 227 is replaced by alanine, an amino acid with similar properties. This amino acid position is highly conserved in available vertebrate species. In addition, this alteration is predicted to be deleterious by in silico analysis. Based on the available evidence, the clinical significance of this variant remains unclear.

Labcorp Genetics (formerly Invitae), Labcorp
Classification: Benign for Tuberous sclerosis 1. Last evaluated: 2024-06-28. Review status: criteria provided, single submitter. Criteria: Invitae Variant Classification Sherloc (09022015). Collection method: clinical testing. Allele origin: germline.